The following is an entry in ClinVar:

NM_012448.4(STAT5B):c.1749del (p.Lys583fs)

Gene: STAT5B (signal transducer and activator of transcription 5B; minus strand). Cytogenetic location: 17q21.2.
Variant type: Deletion.
Coding change: c.1749del on transcript NM_012448.4 (MANE Select); coding-DNA position 1749, one base deleted (A; older notation c.1749delA).
Protein change: p.Lys583fs; shifts the reading frame from lysine 583.
Molecular consequence: frameshift variant.
Genome position (GRCh38, 1-based): chr17:42,210,429, T deleted on the plus strand (A on the coding strand, the reverse complement: STAT5B is on the minus strand); the first of 7 consecutive T bases (chr17:42,210,429-42,210,435); deleting any one gives the same sequence. VCF-style (leftmost placement, unchanged base first): chr17-42210428-GT-G. GRCh37 (hg19) VCF-style: chr17-40362446-GT-G.
Other names: short protein forms K583fs.
Identifiers: ClinVar variation 2119313 (VCV002119313.4), dbSNP rs1202978138, ClinGen allele CA500215196.

ClinVar aggregate classification (germline): Pathogenic (1 of 4 stars; one submission).

Conditions:
Growth hormone insensitivity with immune dysregulation 1, autosomal recessive. Also called: GROWTH HORMONE INSENSITIVITY DUE TO POSTRECEPTOR DEFECT; LARON SYNDROME DUE TO POSTRECEPTOR DEFECT; Laron syndrome with immunodeficiency; GROWTH HORMONE INSENSITIVITY SYNDROME WITH IMMUNE DYSREGULATION 1, AUTOSOMAL RECESSIVE. Identifiers: Orphanet 220465, MedGen C5435698, MONDO:0100211, OMIM 245590.

Submission:

Labcorp Genetics (formerly Invitae), Labcorp
Classification: Pathogenic for Growth hormone insensitivity with immune dysregulation 1, autosomal recessive. Last evaluated: 2022-09-01. Review status: criteria provided, single submitter. Criteria: Invitae Variant Classification Sherloc (09022015). Collection method: clinical testing. Allele origin: germline.
Comment: For these reasons, this variant has been classified as Pathogenic. This variant has not been reported in the literature in individuals affected with STAT5B-related conditions. This variant is not present in population databases (gnomAD no frequency). This sequence change creates a premature translational stop signal (p.Lys583Asnfs*16) in the STAT5B gene. It is expected to result in an absent or disrupted protein product. Loss-of-function variants in STAT5B are known to be pathogenic (PMID: 15827093).

Literature cited by the submitters: PubMed 15827093.